The following is an entry in ClinVar:

NM_003611.3(OFD1):c.1574T>A (p.Ile525Asn)

Gene: OFD1 (OFD1 centriole and centriolar satellite protein; plus strand). Cytogenetic location: Xp22.2.
Variant type: single nucleotide variant.
Coding change: c.1574T>A on transcript NM_003611.3 (MANE Select); coding-DNA position 1574, T replaced by A.
Protein change: p.Ile525Asn; replaces isoleucine 525 with asparagine.
Molecular consequence: missense variant.
Genome position (GRCh38, 1-based): chrX:13,758,368, T>A. VCF-style: chrX-13758368-T-A. GRCh37 (hg19) VCF-style: chrX-13776487-T-A.
Other names: c.1454T>A, p.Ile485Asn (NM_001330209.2); c.1154T>A, p.Ile385Asn (NM_001330210.2); short protein forms I385N, I485N, I525N.
Identifiers: ClinVar variation 2926208 (VCV002926208.3), dbSNP rs1205618089, ClinGen allele CA412343341.

ClinVar aggregate classification (germline): Uncertain significance (1 of 4 stars; one submission).

Conditions:
Joubert syndrome. Also called: CEREBELLOPARENCHYMAL DISORDER IV; JOUBERT-BOLTSHAUSER SYNDROME; Familial aplasia of the vermis. Identifiers: Orphanet 475, MedGen C5979921, MONDO:0018772.
Orofaciodigital syndrome I (OFD1). Also called: OFDS I; Papillon-Leage and Psaume Syndrome; Oral-Facial-Digital Syndrome Type I. Identifiers: Orphanet 2750, MedGen C1510460, MONDO:0010702, OMIM 311200.

Allele frequency attached by ClinVar (database versions not stated): TOPMed 0.00001.
gnomAD v4.1: 1 of 1,207,278 alleles (0.000083%); highest among the groups gnomAD compares: Non-Finnish European, 0.00011%; no homozygotes.

Submission:

Labcorp Genetics (formerly Invitae), Labcorp
Classification: Uncertain significance for Orofaciodigital syndrome I; Joubert syndrome. Last evaluated: 2024-08-14. Review status: criteria provided, single submitter. Criteria: Invitae Variant Classification Sherloc (09022015). Collection method: clinical testing. Allele origin: germline.
Comment: This sequence change replaces isoleucine, which is neutral and non-polar, with asparagine, which is neutral and polar, at codon 525 of the OFD1 protein (p.Ile525Asn). This variant is not present in population databases (gnomAD no frequency). This variant has not been reported in the literature in individuals affected with OFD1-related conditions. Invitae Evidence Modeling of protein sequence and biophysical properties (such as structural, functional, and spatial information, amino acid conservation, physicochemical variation, residue mobility, and thermodynamic stability) has been performed for this missense variant. However, the output from this modeling did not meet the statistical confidence thresholds required to predict the impact of this variant on OFD1 protein function. In summary, the available evidence is currently insufficient to determine the role of this variant in disease. Therefore, it has been classified as a Variant of Uncertain Significance.